The following is an entry in ClinVar:

ClinVar aggregate classification (germline): Likely benign (0 of 4 stars; one submission).

Conditions:
TBX10-related disorder. Also called: TBX10-related condition.

Allele frequency attached by ClinVar (database versions not stated): gnomAD 0.00006; ExAC 0.00024.

Submission:

PreventionGenetics, part of Exact Sciences
Classification: Likely benign for TBX10-related condition. Last evaluated: 2024-09-08. Review status: no assertion criteria provided. Collection method: clinical testing. Allele origin: germline.
Comment: This variant is classified as likely benign based on ACMG/AMP sequence variant interpretation guidelines (Richards et al. 2015 PMID: 25741868, with internal and published modifications).

NM_005995.5(TBX10):c.1102C>T (p.Leu368=)

Gene: TBX10 (T-box transcription factor 10; minus strand). Cytogenetic location: 11q13.2.
Variant type: single nucleotide variant.
Coding change: c.1102C>T on transcript NM_005995.5 (MANE Select); coding-DNA position 1102, C replaced by T.
Protein change: p.Leu368=; no amino-acid change (leucine 368 retained).
Molecular consequence: synonymous variant.
Genome position (GRCh38, 1-based): chr11:67,631,661, G>A on the plus strand (C>T on the coding strand, the complement: TBX10 is on the minus strand). VCF-style: chr11-67631661-G-A. GRCh37 (hg19) VCF-style: chr11-67399132-G-A.
Identifiers: ClinVar variation 3035799 (VCV003035799.2), dbSNP rs779037196, ClinGen allele CA6143774.